The following is an entry in ClinVar:

NM_001005361.3(DNM2):c.1671+14G>A

Gene: DNM2 (dynamin 2; plus strand). Cytogenetic location: 19p13.2.
Variant type: single nucleotide variant.
Coding change: c.1671+14G>A on transcript NM_001005361.3 (MANE Select); 14 bases into the intron after coding-DNA position 1671, G replaced by A.
Molecular consequence: intron variant.
Genome position (GRCh38, 1-based): chr19:10,812,391, G>A. VCF-style: chr19-10812391-G-A. GRCh37 (hg19) VCF-style: chr19-10923067-G-A.
Other names: c.1671+14G>A (NM_001005360.3, NM_001190716.2); c.1659+14G>A (NM_004945.4, NM_001005362.3).
Identifiers: ClinVar variation 888785 (VCV000888785.12), dbSNP rs767768534, ClinGen allele CA9201324.

ClinVar aggregate classification (germline): Benign/Likely benign. Review status: criteria provided, multiple submitters, no conflicts (2 of 4 stars). 4 submissions from 3 submitters: Benign (1); Likely benign (3). Last evaluated 2025-12-22.

Conditions:
Charcot-Marie-Tooth disease dominant intermediate B (CMTDIB). Also called: CHARCOT-MARIE-TOOTH NEUROPATHY, DOMINANT INTERMEDIATE B; Charcot-Marie-Tooth disease dominant intermediate 1; CMT DI1; Charcot-Marie-Tooth disease dominant intermediate I. Identifiers: Orphanet 100044, Orphanet 228179, MedGen C1847902, MONDO:0011674, OMIM 606482.
Autosomal dominant centronuclear myopathy. Also called: MYOTUBULAR MYOPATHY, AUTOSOMAL DOMINANT; Myopathy, centronuclear, 3. Identifiers: Orphanet 169189, MedGen C4551952, MeSH D020914, MONDO:0008048, OMIM 160150.

Allele frequency attached by ClinVar (database versions not stated): gnomAD exomes 0.00002; ExAC 0.00003.
gnomAD v4.1: 43 of 1,591,706 alleles (0.0027%); highest among the groups gnomAD compares: Non-Finnish European, 0.0034%; no homozygotes.

Submissions (4):

Labcorp Genetics (formerly Invitae), Labcorp
Classification: Likely benign for Charcot-Marie-Tooth disease dominant intermediate B. Last evaluated: 2025-12-22. Review status: criteria provided, single submitter. Criteria: Invitae Variant Classification Sherloc (09022015). Collection method: clinical testing. Allele origin: germline.

Women's Health and Genetics/Laboratory Corporation of America, LabCorp
Classification: Likely benign. Last evaluated: 2025-05-27. Review status: criteria provided, single submitter. Criteria: LabCorp Variant Classification Summary - May 2015. Collection method: clinical testing. Allele origin: germline.

Illumina Laboratory Services, Illumina
Classification: Benign for Charcot-Marie-Tooth disease dominant intermediate B. Last evaluated: 2018-01-12. Review status: criteria provided, single submitter. Criteria: ICSL Variant Classification Criteria 13 December 2019. Collection method: clinical testing. Allele origin: germline.
Comment: This variant was observed in the ICSL laboratory as part of a predisposition screen in an ostensibly healthy population. It had not been previously curated by ICSL or reported in the Human Gene Mutation Database (HGMD: prior to June 1st, 2018), and was therefore a candidate for classification through an automated scoring system. Utilizing variant allele frequency, disease prevalence and penetrance estimates, and inheritance mode, an automated score was calculated to assess if this variant is too frequent to cause the disease. Based on the score and internal cut-off values, a variant classified as benign is not then subjected to further curation. The score for this variant resulted in a classification of benign for this disease.

Illumina Laboratory Services, Illumina
Classification: Likely benign for Autosomal dominant centronuclear myopathy. Last evaluated: 2018-01-12. Review status: criteria provided, single submitter. Criteria: ICSL Variant Classification Criteria 13 December 2019. Collection method: clinical testing. Allele origin: germline.
Comment: This variant was observed in the ICSL laboratory as part of a predisposition screen in an ostensibly healthy population. It had not been previously curated by ICSL or reported in the Human Gene Mutation Database (HGMD: prior to June 1st, 2018), and was therefore a candidate for classification through an automated scoring system. Utilizing variant allele frequency, disease prevalence and penetrance estimates, and inheritance mode, an automated score was calculated to assess if this variant is too frequent to cause the disease. Based on the score and internal cut-off values, a variant classified as likely benign is not then subjected to further curation. The score for this variant resulted in a classification of likely benign for this disease.